The following is an entry in ClinVar:

ClinVar aggregate classification (germline): Conflicting classifications of pathogenicity. Review status: criteria provided, conflicting classifications (1 of 4 stars). 4 submissions from 4 submitters: Uncertain significance (3); Likely benign (1). Last evaluated 2026-07-01.

Conditions:
Early-infantile DEE. Also called: Ohtahara syndrome; Early infantile epileptic encephalopathy with suppression bursts; Early infantile epileptic encephalopathy. Identifiers: Orphanet 1934, MedGen C0393706, MONDO:0800491.

Allele frequency attached by ClinVar (database versions not stated): gnomAD exomes 0.00001 and 0.00002; ExAC 0.00002; gnomAD 0.00003; TOPMed 0.00004.
gnomAD v4.1: 20 of 1,613,676 alleles (0.0012%); highest among the groups gnomAD compares: African/African-American, 0.004%; no homozygotes.

Submissions (4):

CeGaT Center for Human Genetics Tuebingen
Classification: Likely benign. Last evaluated: 2026-07-01. Review status: criteria provided, single submitter. Criteria: CeGaT Center For Human Genetics Tuebingen Variant Classification Criteria Version 2. Collection method: clinical testing. Allele origin: germline. Affected: yes. Observed: 1 variant allele.
Comment: SCN1A: BS2

Labcorp Genetics (formerly Invitae), Labcorp
Classification: Uncertain significance for Early-infantile DEE. Last evaluated: 2026-01-11. Review status: criteria provided, single submitter. Criteria: Invitae Variant Classification Sherloc (09022015). Collection method: clinical testing. Allele origin: germline.
Comment: This sequence change replaces threonine, which is neutral and polar, with methionine, which is neutral and non-polar, at codon 1941 of the SCN1A protein (p.Thr1941Met). This variant is present in population databases (rs756845310, gnomAD 0.01%). This variant has not been reported in the literature in individuals affected with SCN1A-related conditions. ClinVar contains an entry for this variant (Variation ID: 206883). Invitae Evidence Modeling of protein sequence and biophysical properties (such as structural, functional, and spatial information, amino acid conservation, physicochemical variation, residue mobility, and thermodynamic stability) indicates that this missense variant is not expected to disrupt SCN1A protein function with a negative predictive value of 95%. In summary, the available evidence is currently insufficient to determine the role of this variant in disease. Therefore, it has been classified as a Variant of Uncertain Significance.

Women's Health and Genetics/Laboratory Corporation of America, LabCorp
Classification: Uncertain significance. Last evaluated: 2025-01-27. Review status: criteria provided, single submitter. Criteria: LabCorp Variant Classification Summary - May 2015. Collection method: clinical testing. Allele origin: germline.
Comment: Variant summary: SCN1A c.5822C>T (p.Thr1941Met) results in a non-conservative amino acid change in the encoded protein sequence. Four of five in-silico tools predict a benign effect of the variant on protein function. The variant allele was found at a frequency of 2.4e-05 in 250532 control chromosomes. The available data on variant occurrences in the general population are insufficient to allow any conclusion about variant significance. To our knowledge, no occurrence of c.5822C>T in individuals affected with SCN1A-related conditions and no experimental evidence demonstrating its impact on protein function have been reported. ClinVar contains an entry for this variant (Variation ID: 206883). Based on the evidence outlined above, the variant was classified as uncertain significance.

GeneDx
Classification: Uncertain significance. Last evaluated: 2016-03-08. Review status: criteria provided, single submitter. Criteria: GeneDx Variant Classification (06012015). Collection method: clinical testing. Allele origin: germline. Affected: yes.
Comment: The T1941M variant has not been published as a mutation, nor has it been reported as a benign polymorphism to our knowledge. It was not observed in approximately 6,500 individuals of European and African American ancestry in the NHLBI Exome Sequencing Project, indicating it is not a common benign variant in these populations. The T1941M variant is a non-conservative amino acid substitution, which is likely to impact secondary protein structure as these residues differ in polarity, charge, size and/or other properties. However, this substitution occurs at a position that is not conserved, and Methionine is observed at this position in evolution. In silico analysis predicts this variant likely does not alter the protein structure/function. Therefore, based on the currently available information, it is unclear whether this variant is a pathogenic mutation or a rare benign variant.

NM_001165963.4(SCN1A):c.5822C>T (p.Thr1941Met)

Genes: SCN1A (sodium voltage-gated channel alpha subunit 1; minus strand), LOC102724058 (uncharacterized LOC102724058; plus strand). Cytogenetic location: 2q24.3.
Variant type: single nucleotide variant.
Coding change: c.5822C>T on transcript NM_001165963.4 (MANE Select); coding-DNA position 5822, C replaced by T.
Protein change: p.Thr1941Met; replaces threonine 1941 with methionine.
Molecular consequence: missense variant. On other transcripts: non-coding transcript variant (1).
Genome position (GRCh38, 1-based): chr2:165,991,453, G>A on the plus strand (C>T on the coding strand, the complement: SCN1A is on the minus strand). VCF-style: chr2-165991453-G-A. GRCh37 (hg19) VCF-style: chr2-166847963-G-A.
Other names: p.T1941M:ACG>ATG; c.5738C>T, p.Thr1913Met (NM_001165964.3, NM_001353957.2, NM_001353958.2); c.5822C>T, p.Thr1941Met (NM_001202435.3, NM_001353948.2); c.5789C>T, p.Thr1930Met (NM_001353949.2, NM_001353950.2, NM_001353951.2 and 2 more transcripts); c.5786C>T, p.Thr1929Met (NM_001353954.2, NM_001353955.2); c.5735C>T, p.Thr1912Met (NM_001353960.2); c.3380C>T, p.Thr1127Met (NM_001353961.2); short protein forms T1930M, T1941M, T1912M, T1127M, T1913M, T1929M.
Identifiers: ClinVar variation 206883 (VCV000206883.13), dbSNP rs756845310, ClinGen allele CA317674.